The following is an entry in ClinVar:

NM_001458.5(FLNC):c.4580+1G>A

Gene: FLNC (filamin C; plus strand). Cytogenetic location: 7q32.1.
Variant type: single nucleotide variant.
Coding change: c.4580+1G>A on transcript NM_001458.5 (MANE Select); the canonical splice donor site of the intron after coding-DNA position 4580, G replaced by A.
Molecular consequence: splice donor variant.
Genome position (GRCh38, 1-based): chr7:128,848,069, G>A. VCF-style: chr7-128848069-G-A. GRCh37 (hg19) VCF-style: chr7-128488123-G-A.
Other names: c.4580+1G>A (NM_001127487.2).
Identifiers: ClinVar variation 2117644 (VCV002117644.4), dbSNP rs2536646733, ClinGen allele CA369202057.
Genomic context (GRCh38, chr7:128,848,069, plus strand): 5'-AGCCACTGACGGGCCCTACACGGTAGCCGTCAAGTATGCTGACCAGGAGGTGCCACGCAG[G>A]TGAGGACCAGCCCTGGGCTCCTGTGCTGCGGCTGAGCTCTGGGGTGCTCCTGCTGGGGTG-3'

ClinVar aggregate classification (germline): Likely pathogenic (1 of 4 stars; one submission).

Conditions:
Myofibrillar myopathy 5. Also called: Filaminopathy (type); FILAMINOPATHY, AUTOSOMAL DOMINANT. Identifiers: Orphanet 171445, MedGen C1836050, MONDO:0012289, OMIM 609524.
Distal myopathy with posterior leg and anterior hand involvement. Also called: WILLIAMS DISTAL MYOPATHY. Identifiers: Orphanet 63273, MedGen C3279722, MONDO:0013550, OMIM 614065.
Hypertrophic cardiomyopathy 26. Also called: Cardiomyopathy, familial hypertrophic, 26. Identifiers: Orphanet 75249, MedGen C4310749, MONDO:0014883, OMIM 617047.

Submission:

Labcorp Genetics (formerly Invitae), Labcorp
Classification: Likely pathogenic for Distal myopathy with posterior leg and anterior hand involvement; Myofibrillar myopathy 5; Hypertrophic cardiomyopathy 26. Last evaluated: 2023-05-15. Review status: criteria provided, single submitter. Criteria: Invitae Variant Classification Sherloc (09022015). Collection method: clinical testing. Allele origin: germline.
Comment: This variant is not present in population databases (gnomAD no frequency). This sequence change affects a donor splice site in intron 26 of the FLNC gene. It is expected to disrupt RNA splicing. Variants that disrupt the donor or acceptor splice site typically lead to a loss of protein function (PMID: 16199547), and loss-of-function variants in FLNC are known to be pathogenic (PMID: 27908349). In summary, the currently available evidence indicates that the variant is pathogenic, but additional data are needed to prove that conclusively. Therefore, this variant has been classified as Likely Pathogenic. Algorithms developed to predict the effect of sequence changes on RNA splicing suggest that this variant may disrupt the consensus splice site. ClinVar contains an entry for this variant (Variation ID: 2117644). Disruption of this splice site has been observed in individual(s) with FLNC-related conditions (PMID: 27908349).

Literature cited by the submitters: PubMed 16199547; PubMed 27908349.